The following is an entry in ClinVar:

NM_001358530.2(MOCS1):c.96C>T (p.Pro32=)

Gene: MOCS1 (molybdenum cofactor synthesis 1; minus strand). Cytogenetic location: 6p21.2.
Variant type: single nucleotide variant.
Coding change: c.96C>T on transcript NM_001358530.2 (MANE Select); coding-DNA position 96, C replaced by T.
Protein change: p.Pro32=; no amino-acid change (proline 32 retained).
Molecular consequence: synonymous variant. On other transcripts: 5 prime UTR variant (2), non-coding transcript variant (1).
Genome position (GRCh38, 1-based): chr6:39,934,322, G>A on the plus strand (C>T on the coding strand, the complement: MOCS1 is on the minus strand). VCF-style: chr6-39934322-G-A. GRCh37 (hg19) VCF-style: chr6-39902061-G-A.
Other names: c.96C>T, p.Pro32= (NM_001075098.4, NM_001358529.2); c.-39C>T (NM_001358531.2, NM_001358533.2); c.96C>T (NM_001358530.1).
Identifiers: ClinVar variation 1012773 (VCV001012773.47), dbSNP rs746347427, ClinGen allele CA3796500.

ClinVar aggregate classification (germline): Benign/Likely benign. Review status: criteria provided, multiple submitters, no conflicts (2 of 4 stars). 5 submissions from 5 submitters: Benign (1); Likely benign (3). 1 of the submissions does not count toward it. Last evaluated 2026-02-02.

Conditions:
Sulfite oxidase deficiency due to molybdenum cofactor deficiency type A. Also called: Molybdenum Cofactor Deficiency A; Molybdenum cofactor deficiency, complementation group A. Identifiers: Orphanet 308386, Orphanet 833, MedGen C1854988, MONDO:0009643, OMIM 252150.
MOCS1-related disorder. Also called: MOCS1-related condition.

Allele frequency attached by ClinVar (database versions not stated): 1000 Genomes Project 30x 0.00016; gnomAD 0.00036 and 0.00038; TOPMed 0.00036.
gnomAD v4.1: 428 of 1,549,514 alleles (0.028%); highest among the groups gnomAD compares: Middle Eastern, 0.35%; no homozygotes.

Submissions (5):

Labcorp Genetics (formerly Invitae), Labcorp
Classification: Benign for Sulfite oxidase deficiency due to molybdenum cofactor deficiency type A. Last evaluated: 2026-02-02. Review status: criteria provided, single submitter. Criteria: Invitae Variant Classification Sherloc (09022015). Collection method: clinical testing. Allele origin: germline.

CeGaT Center for Human Genetics Tuebingen
Classification: Likely benign. Last evaluated: 2026-02-01. Review status: criteria provided, single submitter. Criteria: CeGaT Center For Human Genetics Tuebingen Variant Classification Criteria Version 2. Collection method: clinical testing. Allele origin: germline. Affected: yes. Observed: 3 variant alleles.
Comment: MOCS1: BP4, BP7

Blueprint Genetics
Classification: Likely benign. Last evaluated: 2024-11-26. Review status: criteria provided, single submitter. Criteria: ACMG Guidelines, 2015. Collection method: clinical testing. Allele origin: germline.

Breakthrough Genomics
Classification: Likely benign. Review status: criteria provided, single submitter. Criteria: ACMG Guidelines, 2015. Collection method: not provided. Allele origin: germline. Inheritance: Autosomal recessive inheritance. Affected: yes.

PreventionGenetics, part of Exact Sciences
Classification: Likely benign for MOCS1-related condition. Last evaluated: 2024-07-01. Review status: no assertion criteria provided. Collection method: clinical testing. Allele origin: germline. Not counted in ClinVar's aggregate classification.
Comment: This variant is classified as likely benign based on ACMG/AMP sequence variant interpretation guidelines (Richards et al. 2015 PMID: 25741868, with internal and published modifications).